The following is an entry in ClinVar:

NM_000129.4(F13A1):c.631G>A (p.Gly211Arg)

Gene: F13A1 (coagulation factor XIII A chain; minus strand). Cytogenetic location: 6p25.1.
Variant type: single nucleotide variant.
Coding change: c.631G>A on transcript NM_000129.4 (MANE Select); coding-DNA position 631, G replaced by A.
Protein change: p.Gly211Arg; replaces glycine 211 with arginine.
Molecular consequence: missense variant.
Genome position (GRCh38, 1-based): chr6:6,250,870, C>T on the plus strand (G>A on the coding strand, the complement: F13A1 is on the minus strand). VCF-style: chr6-6250870-C-T. GRCh37 (hg19) VCF-style: chr6-6251103-C-T.
Other names: p.Gly211Arg; short protein forms G211R.
Identifiers: ClinVar variation 3381001 (VCV003381001.1).

ClinVar aggregate classification (germline): Pathogenic (1 of 4 stars; one submission).

gnomAD v4.1: 21 of 1,613,582 alleles (0.0013%); highest among the groups gnomAD compares: Non-Finnish European, 0.0016%; no homozygotes.

Submission:

Mayo Clinic Laboratories, Mayo Clinic
Classification: Pathogenic. Last evaluated: 2024-04-15. Review status: criteria provided, single submitter. Criteria: ACMG Guidelines, 2015. Collection method: clinical testing. Allele origin: germline. Observed: 1 variant allele.
Comment: PP3, PM2_moderate, PM3, PS1, PS3, PS4_moderate

Literature cited by the submitters: PubMed 15456491; PubMed 16479194; PubMed 28520207; PubMed 37006978; PubMed 37059930.